The following is an entry in ClinVar:

NM_001206927.2(DNAH8):c.6994T>C (p.Tyr2332His)

Gene: DNAH8 (dynein axonemal heavy chain 8; plus strand). Cytogenetic location: 6p21.2.
Variant type: single nucleotide variant.
Coding change: c.6994T>C on transcript NM_001206927.2 (MANE Select); coding-DNA position 6994, T replaced by C.
Protein change: p.Tyr2332His; replaces tyrosine 2332 with histidine.
Molecular consequence: missense variant.
Genome position (GRCh38, 1-based): chr6:38,872,539, T>C. VCF-style: chr6-38872539-T-C. GRCh37 (hg19) VCF-style: chr6-38840315-T-C.
Other names: c.6343T>C, p.Tyr2115His (NM_001371.4); short protein forms Y2115H, Y2332H.
Identifiers: ClinVar variation 2905851 (VCV002905851.3), dbSNP rs1777546567, ClinGen allele CA364026794.

ClinVar aggregate classification (germline): Uncertain significance (1 of 4 stars; one submission).

Conditions:
Primary ciliary dyskinesia. Also called: Ciliary dyskinesia. Identifiers: Orphanet 244, MedGen C0008780, MONDO:0016575, HP:0012265.

Allele frequency attached by ClinVar (database versions not stated): gnomAD exomes below 0.00001; TOPMed 0.00001.
gnomAD v4.1: 2 of 1,613,888 alleles (0.00012%); highest among the groups gnomAD compares: Admixed American, 0.0017%; no homozygotes.

Submission:

Labcorp Genetics (formerly Invitae), Labcorp
Classification: Uncertain significance for Primary ciliary dyskinesia. Last evaluated: 2025-09-02. Review status: criteria provided, single submitter. Criteria: Invitae Variant Classification Sherloc (09022015). Collection method: clinical testing. Allele origin: germline.
Comment: This sequence change replaces tyrosine, which is neutral and polar, with histidine, which is basic and polar, at codon 2332 of the DNAH8 protein (p.Tyr2332His). This variant is not present in population databases (gnomAD no frequency). This variant has not been reported in the literature in individuals affected with DNAH8-related conditions. ClinVar contains an entry for this variant (Variation ID: 2905851). Invitae Evidence Modeling of protein sequence and biophysical properties (such as structural, functional, and spatial information, amino acid conservation, physicochemical variation, residue mobility, and thermodynamic stability) indicates that this missense variant is not expected to disrupt DNAH8 protein function with a negative predictive value of 80%. In summary, the available evidence is currently insufficient to determine the role of this variant in disease. Therefore, it has been classified as a Variant of Uncertain Significance.